The following is an entry in ClinVar:

NM_021005.4(NR2F2):c.309C>G (p.Phe103Leu)

Gene: NR2F2 (nuclear receptor subfamily 2 group F member 2; plus strand). Cytogenetic location: 15q26.2.
Variant type: single nucleotide variant.
Coding change: c.309C>G on transcript NM_021005.4 (MANE Select); coding-DNA position 309, C replaced by G.
Protein change: p.Phe103Leu; replaces phenylalanine 103 with leucine.
Molecular consequence: missense variant. On other transcripts: intron variant (1).
Genome position (GRCh38, 1-based): chr15:96,332,414, C>G. VCF-style: chr15-96332414-C-G. GRCh37 (hg19) VCF-style: chr15-96875643-C-G.
Other names: c.44-1662C>G (NM_001145155.2); short protein forms F103L.
Identifiers: ClinVar variation 1014312 (VCV001014312.8), dbSNP rs1899174214, ClinGen allele CA393930074.

ClinVar aggregate classification (germline): Uncertain significance (1 of 4 stars; one submission).

Conditions:
Congenital heart defects, multiple types, 4 (CHTD4). Identifiers: MedGen C4014310, MONDO:0014344, OMIM 615779.

Submission:

Labcorp Genetics (formerly Invitae), Labcorp
Classification: Uncertain significance for Congenital heart defects, multiple types, 4. Last evaluated: 2020-10-30. Review status: criteria provided, single submitter. Criteria: Invitae Variant Classification Sherloc (09022015). Collection method: clinical testing. Allele origin: germline.
Comment: In summary, the available evidence is currently insufficient to determine the role of this variant in disease. Therefore, it has been classified as a Variant of Uncertain Significance. Advanced modeling of protein sequence and biophysical properties (such as structural, functional, and spatial information, amino acid conservation, physicochemical variation, residue mobility, and thermodynamic stability) performed at Invitae indicates that this missense variant is expected to disrupt NR2F2 protein function. This variant has not been reported in the literature in individuals with NR2F2-related conditions. This variant is not present in population databases (ExAC no frequency). This sequence change replaces phenylalanine with leucine at codon 103 of the NR2F2 protein (p.Phe103Leu). The phenylalanine residue is highly conserved and there is a small physicochemical difference between phenylalanine and leucine.